The following is an entry in ClinVar:

NM_000090.4(COL3A1):c.2733T>C (p.Thr911=)

Gene: COL3A1 (collagen type III alpha 1 chain; plus strand). Cytogenetic location: 2q32.2.
Variant type: single nucleotide variant.
Coding change: c.2733T>C on transcript NM_000090.4 (MANE Select); coding-DNA position 2733, T replaced by C.
Protein change: p.Thr911=; no amino-acid change (threonine 911 retained).
Molecular consequence: synonymous variant.
Genome position (GRCh38, 1-based): chr2:189,004,053, T>C. VCF-style: chr2-189004053-T-C. GRCh37 (hg19) VCF-style: chr2-189868779-T-C.
Identifiers: ClinVar variation 459777 (VCV000459777.12), dbSNP rs138961881, ClinGen allele CA075571.

ClinVar aggregate classification (germline): Likely benign. Review status: criteria provided, multiple submitters, no conflicts (2 of 4 stars). 4 submissions from 4 submitters: Likely benign (4). Last evaluated 2025-03-11.

Conditions:
Familial thoracic aortic aneurysm and aortic dissection (TAAD). Also called: Thoracic aortic aneurysms and dissections. Identifiers: Orphanet 91387, MedGen C4707243, MONDO:0019625.
Ehlers-Danlos syndrome, type 4 (EDSVASC). Also called: Ehlers-Danlos syndrome vascular type; Ehlers Danlos syndrome, ecchymotic type; Ehlers Danlos syndrome, arterial type; Ehlers Danlos syndrome, Sack-Barabas type; Ehlers-Danlos Syndrome Type IV. Identifiers: Orphanet 286, MedGen C0268338, MONDO:0017314, OMIM 130050.

Allele frequency attached by ClinVar (database versions not stated): ExAC 0.00001; TOPMed 0.00007; gnomAD 0.00013; ESP Exome Variant Server 0.00015.
gnomAD v4.1: 19 of 1,613,188 alleles (0.0012%); highest among the groups gnomAD compares: African/African-American, 0.023%; no homozygotes.

Submissions (4):

Labcorp Genetics (formerly Invitae), Labcorp
Classification: Likely benign for Ehlers-Danlos syndrome, type 4. Last evaluated: 2025-03-11. Review status: criteria provided, single submitter. Criteria: Invitae Variant Classification Sherloc (09022015). Collection method: clinical testing. Allele origin: germline.

All of Us Research Program, National Institutes of Health
Classification: Likely benign for Ehlers-Danlos syndrome, type 4. Last evaluated: 2024-02-05. Review status: criteria provided, single submitter. Criteria: ACMG Guidelines, 2015. Collection method: clinical testing. Allele origin: germline. Inheritance: Autosomal dominant inheritance. Observed: 3 variant alleles, 3 heterozygotes.
Comment: This study involves interpretation of variants in research participants for the purpose of population health screening. Participant phenotype was not available at the time of variant classification. Additional details can be found in publication PMID: 35346344, PMCID: PMC8962531

Ambry Genetics
Classification: Likely benign for Familial thoracic aortic aneurysm and aortic dissection. Last evaluated: 2023-05-11. Review status: criteria provided, single submitter. Criteria: Ambry Variant Classification Scheme 2023. Collection method: clinical testing. Allele origin: germline.

Color Diagnostics, LLC DBA Color Health
Classification: Likely benign for Familial thoracic aortic aneurysm and aortic dissection. Last evaluated: 2022-11-06. Review status: criteria provided, single submitter. Criteria: ACMG Guidelines, 2015. Collection method: clinical testing. Allele origin: germline.